The following is an entry in ClinVar:

ClinVar aggregate classification (germline): Uncertain significance. Review status: criteria provided, multiple submitters, no conflicts (2 of 4 stars). 2 submissions from 2 submitters: Uncertain significance (2). Last evaluated 2025-09-19.

Conditions:
Gorlin syndrome. Also called: Basal cell nevus syndrome; Nevoid Basal Cell Carcinoma Syndrome. Identifiers: Orphanet 377, MedGen C0004779, MONDO:0007187.
Medulloblastoma (MDB). Also called: MEDULLOBLASTOMA PREDISPOSITION SYNDROME; Medulloblastoma, somatic. Identifiers: Orphanet 616, MedGen C0025149, MeSH D008527, MONDO:0007959, OMIM 155255, HP:0002885.
Hereditary cancer-predisposing syndrome. Also called: Hereditary neoplastic syndrome; Hereditary Cancer Syndrome; Neoplastic Syndromes, Hereditary; Tumor predisposition. Identifiers: Orphanet 140162, MedGen C0027672, MeSH D009386, MONDO:0015356.

Allele frequency attached by ClinVar (database versions not stated): gnomAD 0.00001; TOPMed 0.00001.
gnomAD v4.1: 3 of 1,614,068 alleles (0.00019%); highest among the groups gnomAD compares: African/African-American, 0.0027%; no homozygotes.

Submissions (2):

Labcorp Genetics (formerly Invitae), Labcorp
Classification: Uncertain significance for Gorlin syndrome; Medulloblastoma. Last evaluated: 2025-09-19. Review status: criteria provided, single submitter. Criteria: Invitae Variant Classification Sherloc (09022015). Collection method: clinical testing. Allele origin: germline.
Comment: This sequence change replaces methionine, which is neutral and non-polar, with leucine, which is neutral and non-polar, at codon 73 of the SUFU protein (p.Met73Leu). This variant is not present in population databases (gnomAD no frequency). This variant has not been reported in the literature in individuals affected with SUFU-related conditions. ClinVar contains an entry for this variant (Variation ID: 1370310). Invitae Evidence Modeling of protein sequence and biophysical properties (such as structural, functional, and spatial information, amino acid conservation, physicochemical variation, residue mobility, and thermodynamic stability) has been performed for this missense variant. However, the output from this modeling did not meet the statistical confidence thresholds required to predict the impact of this variant on SUFU protein function. In summary, the available evidence is currently insufficient to determine the role of this variant in disease. Therefore, it has been classified as a Variant of Uncertain Significance.

Ambry Genetics
Classification: Uncertain significance for Hereditary cancer-predisposing syndrome. Last evaluated: 2025-06-01. Review status: criteria provided, single submitter. Criteria: Ambry Variant Classification Scheme 2023. Collection method: clinical testing. Allele origin: germline.
Comment: The p.M73L variant (also known as c.217A>C), located in coding exon 2 of the SUFU gene, results from an A to C substitution at nucleotide position 217. The methionine at codon 73 is replaced by leucine, an amino acid with highly similar properties. This amino acid position is highly conserved in available vertebrate species. In addition, this alteration is predicted to be deleterious by in silico analysis. Since supporting evidence is limited at this time, the clinical significance of this alteration remains unclear.

NM_016169.4(SUFU):c.217A>C (p.Met73Leu)

Gene: SUFU (SUFU negative regulator of hedgehog signaling; plus strand). Cytogenetic location: 10q24.32.
Variant type: single nucleotide variant.
Coding change: c.217A>C on transcript NM_016169.4 (MANE Select); coding-DNA position 217, A replaced by C.
Protein change: p.Met73Leu; replaces methionine 73 with leucine.
Molecular consequence: missense variant.
Genome position (GRCh38, 1-based): chr10:102,509,203, A>C. VCF-style: chr10-102509203-A-C. GRCh37 (hg19) VCF-style: chr10-104268960-A-C.
Other names: c.217A>C, p.Met73Leu (NM_001178133.2); short protein forms M73L.
Identifiers: ClinVar variation 1370310 (VCV001370310.9), dbSNP rs1183694060, ClinGen allele CA377888414.